The following is an entry in ClinVar:

ClinVar aggregate classification (germline): Pathogenic. Review status: criteria provided, multiple submitters, no conflicts (2 of 4 stars). 2 submissions from 2 submitters: Pathogenic (2). Last evaluated 2024-12-24.

Conditions:
Cardiovascular phenotype. Identifiers: MedGen CN230736.
Hypertrophic cardiomyopathy. Also called: HYPERTROPHIC MYOCARDIOPATHY. Identifiers: Orphanet 217569, MedGen C0007194, MeSH D002312, MONDO:0005045, HP:0001639.

Submissions (2):

Labcorp Genetics (formerly Invitae), Labcorp
Classification: Pathogenic for Hypertrophic cardiomyopathy. Last evaluated: 2024-12-24. Review status: criteria provided, single submitter. Criteria: Invitae Variant Classification Sherloc (09022015). Collection method: clinical testing. Allele origin: germline.
Comment: This sequence change creates a premature translational stop signal (p.Pro586Cysfs*6) in the MYBPC3 gene. It is expected to result in an absent or disrupted protein product. Loss-of-function variants in MYBPC3 are known to be pathogenic (PMID: 19574547). This variant is not present in population databases (gnomAD no frequency). This variant has not been reported in the literature in individuals affected with MYBPC3-related conditions. For these reasons, this variant has been classified as Pathogenic.

Ambry Genetics
Classification: Pathogenic for Cardiovascular phenotype. Last evaluated: 2024-11-09. Review status: criteria provided, single submitter. Criteria: Ambry Variant Classification Scheme 2023. Collection method: clinical testing. Allele origin: germline.
Comment: The c.1754_1755dupTG pathogenic mutation, located in coding exon 18 of the MYBPC3 gene, results from a duplication of TG at nucleotide position 1754, causing a translational frameshift with a predicted alternate stop codon (p.P586Cfs*6). This variant is considered to be rare based on population cohorts in the Genome Aggregation Database (gnomAD). This alteration is expected to result in loss of function by premature protein truncation or nonsense-mediated mRNA decay. As such, this alteration is interpreted as a disease-causing mutation.

Literature cited by the submitters: PubMed 19574547 (cited by Labcorp Genetics (formerly Invitae), Labcorp).

NM_000256.3(MYBPC3):c.1754_1755dup (p.Pro586fs)

Gene: MYBPC3 (myosin binding protein C3; minus strand). Cytogenetic location: 11p11.2.
Variant type: Duplication.
Coding change: c.1754_1755dup on transcript NM_000256.3 (MANE Select); coding-DNA positions 1754 to 1755, 2 bases duplicated (TG; older notation c.1754_1755dupTG).
Protein change: p.Pro586fs; shifts the reading frame from proline 586.
Molecular consequence: frameshift variant.
Genome position (GRCh38, 1-based): chr11:47,342,026-47,342,027, CA duplicated on the plus strand (TG on the coding strand, the reverse complement: MYBPC3 is on the minus strand); duplicating any 2 consecutive bases within chr11:47,342,026-47,342,028 gives the same sequence; the c. name uses the placement nearest the transcript's 3' end. VCF-style (leftmost placement, unchanged base first): chr11-47342025-G-GCA. GRCh37 (hg19) VCF-style: chr11-47363576-G-GCA.
Other names: c.1754_1755dupTG (NM_000256.3); short protein forms P586fs.
Identifiers: ClinVar variation 3400427 (VCV003400427.3).
Genomic context (GRCh38, chr11:47,342,025, plus strand): 5'-CCCATCCACCTGCCCTGCACACTCACCGCCCGATGTGGGACACCTTTATGCGGCTGTCGG[G>GCA]CACCAGCTCCTTCCCATTCTTCAGCCACACACCCCGAACATTCTCATCTGAGACCTCACA-3'